The following is an entry in ClinVar:

ClinVar aggregate classification (germline): Uncertain significance (1 of 4 stars; one submission).

Conditions:
Hypertrophic cardiomyopathy 19. Also called: Familial hypertrophic cardiomyopathy 19. Identifiers: MedGen CN077603, MONDO:0013476.

Allele frequency attached by ClinVar (database versions not stated): gnomAD 0.00001; gnomAD exomes 0.00001; TOPMed 0.00001.
gnomAD v4.1: 21 of 1,614,070 alleles (0.0013%); highest among the groups gnomAD compares: Non-Finnish European, 0.0018%; no homozygotes.

Submission:

Labcorp Genetics (formerly Invitae), Labcorp
Classification: Uncertain significance for Hypertrophic cardiomyopathy 19. Last evaluated: 2022-10-24. Review status: criteria provided, single submitter. Criteria: Invitae Variant Classification Sherloc (09022015). Collection method: clinical testing. Allele origin: germline.
Comment: In summary, the available evidence is currently insufficient to determine the role of this variant in disease. Therefore, it has been classified as a Variant of Uncertain Significance. Variants that disrupt the consensus splice site are a relatively common cause of aberrant splicing (PMID: 17576681, 9536098). Algorithms developed to predict the effect of sequence changes on RNA splicing suggest that this variant is not likely to affect RNA splicing. ClinVar contains an entry for this variant (Variation ID: 1481153). This variant has not been reported in the literature in individuals affected with CALR3-related conditions. This variant is not present in population databases (gnomAD no frequency). This sequence change falls in intron 6 of the CALR3 gene. It does not directly change the encoded amino acid sequence of the CALR3 protein. It affects a nucleotide within the consensus splice site.

Literature cited by the submitters: PubMed 17576681; PubMed 9536098.

NM_145046.5(CALR3):c.786+3G>T

Gene: CALR3 (calreticulin 3; minus strand). Cytogenetic location: 19p13.11.
Variant type: single nucleotide variant.
Coding change: c.786+3G>T on transcript NM_145046.5 (MANE Select); 3 bases into the intron after coding-DNA position 786, G replaced by T.
Molecular consequence: intron variant.
Genome position (GRCh38, 1-based): chr19:16,482,675, C>A on the plus strand (G>T on the coding strand, the complement: CALR3 is on the minus strand). VCF-style: chr19-16482675-C-A. GRCh37 (hg19) VCF-style: chr19-16593486-C-A.
Identifiers: ClinVar variation 1481153 (VCV001481153.6), dbSNP rs1413720533, ClinGen allele CA783737613.